The following is an entry in ClinVar:

ClinVar aggregate classification (germline): Likely pathogenic (1 of 4 stars; one submission).

Submission:

Dasa
Classification: Likely pathogenic. Last evaluated: 2025-08-28. Review status: criteria provided, single submitter. Criteria: DASA Assertion Criteria. Collection method: clinical testing. Allele origin: germline.
Comment: NM_001347721.2(DYRK1A):c.1048_1049dup (p.Phe352Cysfs*8) is a frameshift variant in DYRK1A predicted to alter the reading frame and introduce a premature termination codon and is predicted to result in an absent or altered protein product. Loss of function is an established disease mechanism for DYRK1A (PMID: 22495309; PMID: 21294719; PMID: 25944381). Also, this variant is absent from population databases. Based on the currently available evidence, this variant is classified as likely pathogenic.

Literature cited by the submitters: PubMed 22495309; PubMed 21294719; PubMed 25944381.

NM_001347721.2(DYRK1A):c.1048_1049dup (p.Phe352fs)

Gene: DYRK1A (dual specificity tyrosine phosphorylation regulated kinase 1A; plus strand). Cytogenetic location: 21q22.13.
Variant type: Duplication.
Coding change: c.1048_1049dup on transcript NM_001347721.2 (MANE Select); coding-DNA positions 1048 to 1049, 2 bases duplicated (CC; older notation c.1048_1049dupCC).
Protein change: p.Phe352fs; shifts the reading frame from phenylalanine 352.
Molecular consequence: frameshift variant.
Genome position (GRCh38, 1-based): chr21:37,493,140-37,493,141, CC duplicated. VCF-style (leftmost placement, unchanged base first): chr21-37493139-A-ACC. GRCh37 (hg19) VCF-style: chr21-38865441-A-ACC.
Other names: c.1048_1049dup, p.Phe352fs (NM_001347722.2, NM_130436.2); c.961_962dup, p.Phe323fs (NM_001347723.2); c.1075_1076dup, p.Phe361fs (NM_001396.5, NM_101395.2, NM_130438.2); short protein forms F323fs, F352fs, F361fs.
Identifiers: ClinVar variation 4880724 (VCV004880724.2).